The following is an entry in ClinVar:

ClinVar aggregate classification (germline): Uncertain significance (1 of 4 stars; one submission).

Conditions:
Familial hypocalciuric hypercalcemia (FHH). Also called: Familial benign hypercalcemia. Identifiers: Orphanet 405, MedGen C1809471, MONDO:0018458.
Autosomal dominant hypocalcemia 1 (HYPOC1). Also called: HYPOCALCEMIA, FAMILIAL. Identifiers: MedGen C3715128, MONDO:0011013, OMIM 601198.

Submission:

Labcorp Genetics (formerly Invitae), Labcorp
Classification: Uncertain significance for Familial hypocalciuric hypercalcemia; Autosomal dominant hypocalcemia 1. Last evaluated: 2022-09-19. Review status: criteria provided, single submitter. Criteria: Invitae Variant Classification Sherloc (09022015). Collection method: clinical testing. Allele origin: germline.
Comment: This variant is not present in population databases (gnomAD no frequency). This variant has not been reported in the literature in individuals affected with CASR-related conditions. Algorithms developed to predict the effect of missense changes on protein structure and function (SIFT, PolyPhen-2, Align-GVGD) all suggest that this variant is likely to be disruptive. In summary, the available evidence is currently insufficient to determine the role of this variant in disease. Therefore, it has been classified as a Variant of Uncertain Significance. This sequence change replaces alanine, which is neutral and non-polar, with glycine, which is neutral and non-polar, at codon 116 of the CASR protein (p.Ala116Gly).

NM_000388.4(CASR):c.347C>G (p.Ala116Gly)

Gene: CASR (calcium sensing receptor; plus strand). Cytogenetic location: 3q21.1.
Variant type: single nucleotide variant.
Coding change: c.347C>G on transcript NM_000388.4 (MANE Select); coding-DNA position 347, C replaced by G.
Protein change: p.Ala116Gly; replaces alanine 116 with glycine.
Molecular consequence: missense variant.
Genome position (GRCh38, 1-based): chr3:122,257,242, C>G. VCF-style: chr3-122257242-C-G. GRCh37 (hg19) VCF-style: chr3-121976089-C-G.
Other names: c.347C>G, p.Ala116Gly (NM_001178065.2); short protein forms A116G.
Identifiers: ClinVar variation 1719829 (VCV001719829.6), dbSNP rs2473214732, ClinGen allele CA354362699.